The following is an entry in ClinVar:

ClinVar aggregate classification (germline): Uncertain significance (1 of 4 stars; one submission).

Conditions:
Ataxia-telangiectasia syndrome (AT). Also called: ATAXIA-TELANGIECTASIA, COMPLEMENTATION GROUP A; ATAXIA-TELANGIECTASIA, FRESNO VARIANT; LOUIS-BAR SYNDROME; Ataxia-telangiectasia; Cerebello-oculocutaneous telangiectasia; Immunodeficiency with ataxia telangiectasia. Identifiers: Orphanet 100, MedGen C0004135, MONDO:0008840, OMIM 208900.

Allele frequency attached by ClinVar (database versions not stated): gnomAD exomes below 0.00001.
gnomAD v4.1: 1 of 1,613,410 alleles (0.000062%); highest among the groups gnomAD compares: Non-Finnish European, 0.000085%; no homozygotes.

Submission:

Labcorp Genetics (formerly Invitae), Labcorp
Classification: Uncertain significance for Ataxia-telangiectasia syndrome. Last evaluated: 2020-12-17. Review status: criteria provided, single submitter. Criteria: Invitae Variant Classification Sherloc (09022015). Collection method: clinical testing. Allele origin: germline.
Comment: In summary, the available evidence is currently insufficient to determine the role of this variant in disease. Therefore, it has been classified as a Variant of Uncertain Significance. Advanced modeling of protein sequence and biophysical properties (such as structural, functional, and spatial information, amino acid conservation, physicochemical variation, residue mobility, and thermodynamic stability) performed at Invitae indicates that this missense variant is not expected to disrupt ATM protein function. This variant has not been reported in the literature in individuals with ATM-related conditions. This variant is not present in population databases (ExAC no frequency). This sequence change replaces alanine with proline at codon 1388 of the ATM protein (p.Ala1388Pro). The alanine residue is highly conserved and there is a small physicochemical difference between alanine and proline.

NM_000051.4(ATM):c.4162G>C (p.Ala1388Pro)

Gene: ATM (ATM serine/threonine kinase; plus strand). Cytogenetic location: 11q22.3.
Variant type: single nucleotide variant.
Coding change: c.4162G>C on transcript NM_000051.4 (MANE Select); coding-DNA position 4162, G replaced by C.
Protein change: p.Ala1388Pro; replaces alanine 1388 with proline.
Molecular consequence: missense variant.
Genome position (GRCh38, 1-based): chr11:108,289,029, G>C. VCF-style: chr11-108289029-G-C. GRCh37 (hg19) VCF-style: chr11-108159756-G-C.
Other names: c.4162G>C, p.Ala1388Pro (NM_001351834.2); short protein forms A1388P.
Identifiers: ClinVar variation 1479098 (VCV001479098.8), dbSNP rs1555096903, ClinGen allele CA382530073.